The following is an entry in ClinVar:

NM_001267550.2(TTN):c.85612_85619del (p.Glu28538fs)

Genes: TTN-AS1 (TTN antisense RNA 1; plus strand), TTN (titin; minus strand). Cytogenetic location: 2q31.2.
Variant type: Deletion.
Coding change: c.85612_85619del on transcript NM_001267550.2 (MANE Select); coding-DNA positions 85612 to 85619, 8 bases deleted (GAGAGTGT; older notation c.85612_85619delGAGAGTGT).
Protein change: p.Glu28538fs; shifts the reading frame from glutamic acid 28538.
Molecular consequence: frameshift variant.
Genome position (GRCh38, 1-based): chr2:178,560,513-178,560,520, ACACTCTC deleted on the plus strand (GAGAGTGT on the coding strand, the reverse complement: TTN is on the minus strand). VCF-style (leftmost placement, unchanged base first): chr2-178560512-TACACTCTC-T. GRCh37 (hg19) VCF-style: chr2-179425239-TACACTCTC-T.
Other names: c.80689_80696del, p.Glu26897fs (NM_001256850.1); c.58417_58424del, p.Glu19473fs (NM_003319.4); c.77908_77915del, p.Glu25970fs (NM_133378.4); c.58792_58799del, p.Glu19598fs (NM_133432.3); c.58993_59000del, p.Glu19665fs (NM_133437.4); c.77908_77915delGAGAGTGT (NM_133378.4); short protein forms E26897fs, E19665fs, E28538fs, E19473fs, E19598fs, E25970fs.
Identifiers: ClinVar variation 2573647 (VCV002573647.12), dbSNP rs1553562753, ClinGen allele CA309444.
Genomic context (GRCh38, chr2:178,560,512, plus strand): 5'-AGTAATTTCCAAAGACGTGGGTGGACTTGGAACTGTAAATGGATCTAGTGCCTTTATAGC[TACACTCTC>T]TAGGGGCTCACCAACACCATATTTATTAACACCAGTTACTCTAAATATATATTCATTGCC-3'

ClinVar aggregate classification (germline): Likely pathogenic. Review status: criteria provided, multiple submitters, no conflicts (2 of 4 stars). 3 submissions from 3 submitters: Likely pathogenic (3). Last evaluated 2025-08-01.

Conditions:
Autosomal recessive limb-girdle muscular dystrophy type 2J (LGMDR10). Also called: Limb-girdle muscular dystrophy, type 2J; MUSCULAR DYSTROPHY, LIMB-GIRDLE, AUTOSOMAL RECESSIVE 10. Identifiers: Orphanet 140922, MedGen C1837342, MONDO:0012127, OMIM 608807.
Dilated cardiomyopathy 1G (CMD1G). Identifiers: Orphanet 154, MedGen C1858763, MONDO:0011400, OMIM 604145.
Primary familial dilated cardiomyopathy (FDC). Also called: Familial dilated cardiomyopathy; Hypokinetic dilated cardiomyopathy, familial. Identifiers: Orphanet 217607, MedGen C0340427, MONDO:0016333.

Submissions (3):

CeGaT Center for Human Genetics Tuebingen
Classification: Likely pathogenic. Last evaluated: 2025-08-01. Review status: criteria provided, single submitter. Criteria: CeGaT Center For Human Genetics Tuebingen Variant Classification Criteria Version 2. Collection method: clinical testing. Allele origin: germline. Affected: yes. Observed: 2 variant alleles.
Comment: TTN: PVS1:Strong, PM2

Labcorp Genetics (formerly Invitae), Labcorp
Classification: Likely pathogenic for Dilated cardiomyopathy 1G; Autosomal recessive limb-girdle muscular dystrophy type 2J. Last evaluated: 2025-04-27. Review status: criteria provided, single submitter. Criteria: Invitae Variant Classification Sherloc (09022015). Collection method: clinical testing. Allele origin: germline.
Comment: This sequence change creates a premature translational stop signal (p.Glu28538Serfs*37) in the TTN gene. While this is not anticipated to result in nonsense mediated decay, it is expected to disrupt the last 7454 amino acid(s) of the TTN protein. This variant is not present in population databases (gnomAD no frequency). This variant has not been reported in the literature in individuals affected with TTN-related conditions. ClinVar contains an entry for this variant (Variation ID: 2573647). This variant is located in the A band of TTN (PMID: 25589632). Truncating variants in this region are significantly overrepresented in patients affected with dilated cardiomyopathy (PMID: 25589632). Truncating variants in this region have also been reported in individuals affected with autosomal recessive centronuclear myopathy (PMID: 23975875). In summary, the currently available evidence indicates that the variant is pathogenic, but additional data are needed to prove that conclusively. Therefore, this variant has been classified as Likely Pathogenic.

Women's Health and Genetics/Laboratory Corporation of America, LabCorp
Classification: Likely pathogenic for Primary familial dilated cardiomyopathy. Last evaluated: 2023-06-07. Review status: criteria provided, single submitter. Criteria: LabCorp Variant Classification Summary - May 2015. Collection method: clinical testing. Allele origin: germline.
Comment: Variant summary: TTN c.77908_77915delGAGAGTGT (p.Glu25970SerfsX37) results in a premature termination codon, predicted to cause a truncation of the encoded protein or absence of the protein due to nonsense mediated decay, which are commonly known mechanisms for disease. Nonsense, frameshift, and canonical splice-site variants in TTN are strongly associated with DCM when they affect exons encoding for the A-band region (PMIDs: 22335739, 24503780) and/or exons constitutively expressed (proportion spliced in [PSI]>0.9) in the primary cardiac isoforms (PMIDs: 25589632, 31216868, 32964742, 27869827), which is the case forthis variant (A- band with a PSI score of 100%). The variant was absent in 247416 control chromosomes. To our knowledge, no occurrence of c.77908_77915delGAGAGTGT in individuals affected with Dilated Cardiomyopathy and no experimental evidence demonstrating its impact on protein function have been reported. No clinical diagnostic laboratories have submitted clinical-significance assessments for this variant to ClinVar after 2014. Based on the evidence outlined above, the variant was classified as likely pathogenic.

Literature cited by the submitters: PubMed 25589632 (cited by Labcorp Genetics (formerly Invitae), Labcorp); PubMed 23975875 (cited by Labcorp Genetics (formerly Invitae), Labcorp).